The following is an entry in ClinVar:

ClinVar aggregate classification (germline): Likely pathogenic (1 of 4 stars; one submission).

Conditions:
Disorders of GNAS Inactivation. Identifiers: MedGen CN381100.

Submission:

Illumina Laboratory Services, Illumina
Classification: Likely pathogenic for Disorders of GNAS inactivation. Last evaluated: 2023-07-21. Review status: criteria provided, single submitter. Criteria: ICSLVariantClassificationCriteria RUGD 01 April 2020. Collection method: clinical testing. Allele origin: unknown.
Comment: The GNAS c.819C>G (p.Phe273Leu), is located in a mutational hotspot within the G-alpha domain. To our knowledge, this variant has not been reported in peer-reviewed literature. The c.819C>G variant is not observed in version 2.1.1 or version 3.1.2 of the Genome Aggregation Database. Multiple lines of computational evidence suggest the variant may impact the gene or gene product. This variant was identified in a de novo state. Based on available evidence, the c.819C>G (p.Phe273Leu) variant is classified as likely pathogenic for disorders of GNAS inactivation.

NM_000516.7(GNAS):c.819C>G (p.Phe273Leu)

Gene: GNAS (GNAS complex locus; plus strand). Cytogenetic location: 20q13.32.
Variant type: single nucleotide variant.
Coding change: c.819C>G on transcript NM_000516.7 (MANE Select); coding-DNA position 819, C replaced by G.
Protein change: p.Phe273Leu; replaces phenylalanine 273 with leucine.
Molecular consequence: missense variant. On other transcripts: 3 prime UTR variant (2).
Genome position (GRCh38, 1-based): chr20:58,909,784, C>G. VCF-style: chr20-58909784-C-G. GRCh37 (hg19) VCF-style: chr20-57484839-C-G.
Other names: c.822C>G, p.Phe274Leu (NM_001077488.5); c.774C>G, p.Phe258Leu (NM_001077489.4); c.*680C>G (NM_001077490.3); c.642C>G, p.Phe214Leu (NM_001309840.2, NM_001309861.2); c.723C>G, p.Phe241Leu (NM_001410912.1); c.2703C>G, p.Phe901Leu (NM_001410913.1); c.*725C>G (NM_016592.5); c.2748C>G, p.Phe916Leu (NM_080425.4); and 1 more; short protein forms F214L, F241L, F258L, F259L, F273L, F274L, F901L, F916L.
Identifiers: ClinVar variation 2627910 (VCV002627910.1), dbSNP rs2517261214, ClinGen allele CA409452760.